The following is an entry in ClinVar:

NM_001042492.3(NF1):c.630A>G (p.Leu210=)

Gene: NF1 (neurofibromin 1; plus strand). Cytogenetic location: 17q11.2.
Variant type: single nucleotide variant.
Coding change: c.630A>G on transcript NM_001042492.3 (MANE Select); coding-DNA position 630, A replaced by G.
Protein change: p.Leu210=; no amino-acid change (leucine 210 retained).
Molecular consequence: synonymous variant.
Genome position (GRCh38, 1-based): chr17:31,181,465, A>G. VCF-style: chr17-31181465-A-G. GRCh37 (hg19) VCF-style: chr17-29508483-A-G.
Other names: c.630A>G, p.Leu210= (NM_000267.4, NM_001128147.3).
Identifiers: ClinVar variation 1752772 (VCV001752772.6), dbSNP rs2544747833, ClinGen allele CA499206516.
Genomic context (GRCh38, chr17:31,181,465, plus strand): 5'-AATTGTGTTTTTTCCAGAAACAGCATTTAAATTTAAAGCCCTAAAGAAGGTTGCGCAGTT[A>G]GCAGTTATAAATAGCCTGGAAAAGGTAAGTTACAACCTCTCTGGTATTAAAATTTTGTTT-3'
Protein context (NP_001035957.1, residues 200-220): KFKALKKVAQ[Leu210=]AVINSLEKAF

ClinVar aggregate classification (germline): Benign/Likely benign. Review status: criteria provided, multiple submitters, no conflicts (2 of 4 stars). 3 submissions from 3 submitters: Benign (1); Likely benign (2). Last evaluated 2026-05-14.

Conditions:
Neurofibromatosis, type 1 (NF1). Also called: Neurofibromatosis, type I; NEUROFIBROMATOSIS, TYPE I, SOMATIC; Peripheral type neurofibromatosis; VON RECKLINGHAUSEN DISEASE. Identifiers: Orphanet 636, MedGen C0027831, MONDO:0018975, OMIM 162200. Disease mechanism: loss of function.
Hereditary cancer-predisposing syndrome. Also called: Neoplastic Syndromes, Hereditary; Tumor predisposition; Hereditary neoplastic syndrome; Hereditary Cancer Syndrome. Identifiers: Orphanet 140162, MedGen C0027672, MeSH D009386, MONDO:0015356.
Cardiovascular phenotype. Identifiers: MedGen CN230736.

Submissions (3):

Myriad Genetics, Inc.
Classification: Benign for Neurofibromatosis, type 1. Last evaluated: 2026-05-14. Review status: criteria provided, single submitter. Criteria: Myriad Autosomal Dominant, Autosomal Recessive and X-Linked Classification Criteria (2023). Collection method: clinical testing. Allele origin: unknown.
Comment: This variant is considered benign. This variant is a silent/synonymous amino acid change and it is not expected to impact splicing.

Labcorp Genetics (formerly Invitae), Labcorp
Classification: Likely benign for Neurofibromatosis, type 1. Last evaluated: 2025-09-19. Review status: criteria provided, single submitter. Criteria: Invitae Variant Classification Sherloc (09022015). Collection method: clinical testing. Allele origin: germline.

Ambry Genetics
Classification: Likely benign for Cardiovascular phenotype; Hereditary cancer-predisposing syndrome. Last evaluated: 2020-09-30. Review status: criteria provided, single submitter. Criteria: Ambry Variant Classification Scheme 2023. Collection method: clinical testing. Allele origin: germline.